The following is an entry in ClinVar:

ClinVar aggregate classification (germline): Uncertain significance (1 of 4 stars; one submission).

Allele frequency attached by ClinVar (database versions not stated): TOPMed 0.00001; ExAC 0.00001; gnomAD 0.00001.
gnomAD v4.1: 3 of 1,613,808 alleles (0.00019%); highest among the groups gnomAD compares: Non-Finnish European, 0.00025%; no homozygotes.

Submission:

Labcorp Genetics (formerly Invitae), Labcorp
Classification: Uncertain significance. Last evaluated: 2025-11-08. Review status: criteria provided, single submitter. Criteria: Invitae Variant Classification Sherloc (09022015). Collection method: clinical testing. Allele origin: germline.
Comment: This sequence change replaces glutamine, which is neutral and polar, with glutamic acid, which is acidic and polar, at codon 107 of the CDH2 protein (p.Gln107Glu). This variant is present in population databases (rs756870194, gnomAD 0.0009%). This variant has not been reported in the literature in individuals affected with CDH2-related conditions. ClinVar contains an entry for this variant (Variation ID: 2996528). An algorithm developed to predict the effect of missense changes on protein structure and function (PolyPhen-2) suggests that this variant is likely to be tolerated. In summary, the available evidence is currently insufficient to determine the role of this variant in disease. Therefore, it has been classified as a Variant of Uncertain Significance.

NM_001792.5(CDH2):c.319C>G (p.Gln107Glu)

Gene: CDH2 (cadherin 2; minus strand). Cytogenetic location: 18q12.1.
Variant type: single nucleotide variant.
Coding change: c.319C>G on transcript NM_001792.5 (MANE Select); coding-DNA position 319, C replaced by G.
Protein change: p.Gln107Glu; replaces glutamine 107 with glutamic acid.
Molecular consequence: missense variant.
Genome position (GRCh38, 1-based): chr18:28,013,763, G>C on the plus strand (C>G on the coding strand, the complement: CDH2 is on the minus strand). VCF-style: chr18-28013763-G-C. GRCh37 (hg19) VCF-style: chr18-25593727-G-C.
Other names: c.226C>G, p.Gln76Glu (NM_001308176.2); short protein forms Q76E, Q107E.
Identifiers: ClinVar variation 2996528 (VCV002996528.3), dbSNP rs756870194, ClinGen allele CA8923730.